The following is an entry in ClinVar:

NM_004333.6(BRAF):c.1201A>G (p.Thr401Ala)

Gene: BRAF (B-Raf proto-oncogene, serine/threonine kinase; minus strand). Cytogenetic location: 7q34.
Variant type: single nucleotide variant.
Coding change: c.1201A>G on transcript NM_004333.6 (MANE Select); coding-DNA position 1201, A replaced by G.
Protein change: p.Thr401Ala; replaces threonine 401 with alanine.
Molecular consequence: missense variant. On other transcripts: intron variant (2).
Genome position (GRCh38, 1-based): chr7:140,783,134, T>C on the plus strand (A>G on the coding strand, the complement: BRAF is on the minus strand). VCF-style: chr7-140783134-T-C. GRCh37 (hg19) VCF-style: chr7-140482934-T-C.
Other names: c.1099A>G, p.Thr367Ala (NM_001378470.1); c.1045A>G, p.Thr349Ala (NM_001378472.1, NM_001378473.1); c.1201A>G, p.Thr401Ala (NM_001378474.1, NM_001354609.2, NM_001378468.1); c.937A>G, p.Thr313Ala (NM_001378475.1); c.1141-51A>G (NM_001378471.1); c.1178-43A>G (NM_001378469.1); c.1321A>G, p.Thr441Ala (NM_001374244.1, NM_001374258.1); c.1210A>G, p.Thr404Ala (NM_001378467.1); short protein forms T404A, T313A, T349A, T401A, T367A, T441A.
Identifiers: ClinVar variation 2023961 (VCV002023961.4), dbSNP rs1586146757, ClinGen allele CA369589522.
Genomic context (GRCh38, chr7:140,783,134, plus strand): 5'-CTGGAGATTTCTGTAAGGCTTTCACGTTAGTTAGTGAGCCAGGTAATGAGGCAGGGGGGG[T>C]AGCAGACAAACCTGTGGTTGATCCTAAATTAGTGAAAAGAAAAATGTATACATTAAGGAG-3'
Protein context (NP_004324.2, residues 391-411): DGGSTTGLSA[Thr401Ala]PPASLPGSLT

ClinVar aggregate classification (germline): Uncertain significance (1 of 4 stars; one submission).

Conditions:
RASopathy. Also called: rasopathies; Noonan spectrum disorder. Identifiers: Orphanet 536391, MedGen C5555857, MONDO:0021060.

Allele frequency attached by ClinVar (database versions not stated): gnomAD exomes below 0.00001.
gnomAD v4.1: 1 of 1,613,622 alleles (0.000062%); highest among the groups gnomAD compares: Non-Finnish European, 0.000085%; no homozygotes.

Submission:

Labcorp Genetics (formerly Invitae), Labcorp
Classification: Uncertain significance for RASopathy. Last evaluated: 2022-08-13. Review status: criteria provided, single submitter. Criteria: Invitae Variant Classification Sherloc (09022015). Collection method: clinical testing. Allele origin: germline.
Comment: This sequence change replaces threonine, which is neutral and polar, with alanine, which is neutral and non-polar, at codon 401 of the BRAF protein (p.Thr401Ala). In summary, the available evidence is currently insufficient to determine the role of this variant in disease. Therefore, it has been classified as a Variant of Uncertain Significance. Experimental studies have shown that this missense change affects BRAF function (PMID: 21135229). Advanced modeling of protein sequence and biophysical properties (such as structural, functional, and spatial information, amino acid conservation, physicochemical variation, residue mobility, and thermodynamic stability) performed at Invitae indicates that this missense variant is not expected to disrupt BRAF protein function. This variant has not been reported in the literature in individuals affected with BRAF-related conditions. This variant is not present in population databases (gnomAD no frequency).

Literature cited by the submitters: PubMed 21135229.